The following is an entry in ClinVar:

ClinVar aggregate classification (germline): Uncertain significance (1 of 4 stars; one submission).

Conditions:
Long chain 3-hydroxyacyl-CoA dehydrogenase deficiency. Also called: LCHAD Deficiency; Deficiency of long-chain 3-hydroxyacyl-coenzyme A dehydrogenase. Identifiers: Orphanet 5, MedGen C3711645, MONDO:0012173, OMIM 609016.
Mitochondrial trifunctional protein deficiency. Identifiers: Orphanet 746, MedGen C1969443, MONDO:0012172.

Submission:

Labcorp Genetics (formerly Invitae), Labcorp
Classification: Uncertain significance for Mitochondrial trifunctional protein deficiency; Long chain 3-hydroxyacyl-CoA dehydrogenase deficiency. Last evaluated: 2022-08-07. Review status: criteria provided, single submitter. Criteria: Invitae Variant Classification Sherloc (09022015). Collection method: clinical testing. Allele origin: germline.
Comment: Algorithms developed to predict the effect of missense changes on protein structure and function are either unavailable or do not agree on the potential impact of this missense change (SIFT: "Tolerated"; PolyPhen-2: "Probably Damaging"; Align-GVGD: "Class C0"). This variant has not been reported in the literature in individuals affected with HADHA-related conditions. In summary, the available evidence is currently insufficient to determine the role of this variant in disease. Therefore, it has been classified as a Variant of Uncertain Significance. This variant is not present in population databases (gnomAD no frequency). This sequence change replaces glycine, which is neutral and non-polar, with alanine, which is neutral and non-polar, at codon 400 of the HADHA protein (p.Gly400Ala).

NM_000182.5(HADHA):c.1199G>C (p.Gly400Ala)

Genes: GAREM2 (GRB2 associated regulator of MAPK1 subtype 2; plus strand), HADHA (hydroxyacyl-CoA dehydrogenase trifunctional multienzyme complex subunit alpha; minus strand). Cytogenetic location: 2p23.3.
Variant type: single nucleotide variant.
Coding change: c.1199G>C on transcript NM_000182.5 (MANE Select); coding-DNA position 1199, G replaced by C.
Protein change: p.Gly400Ala; replaces glycine 400 with alanine.
Molecular consequence: missense variant.
Genome position (GRCh38, 1-based): chr2:26,204,083, C>G on the plus strand (G>C on the coding strand, the complement: HADHA is on the minus strand). VCF-style: chr2-26204083-C-G. GRCh37 (hg19) VCF-style: chr2-26426952-C-G.
Other names: short protein forms G400A.
Identifiers: ClinVar variation 1715495 (VCV001715495.6), dbSNP rs2465540795, ClinGen allele CA346128741.